The following is an entry in ClinVar:

NM_024652.6(LRRK1):c.2587C>T (p.Arg863Trp)

Genes: LRRK1 (leucine rich repeat kinase 1; plus strand), LOC126862255 (CDK7 strongly-dependent group 2 enhancer GRCh37_chr15:101567313-101568512; plus strand). Cytogenetic location: 15q26.3.
Variant type: single nucleotide variant.
Coding change: c.2587C>T on transcript NM_024652.6 (MANE Select); coding-DNA position 2587, C replaced by T.
Protein change: p.Arg863Trp; replaces arginine 863 with tryptophan.
Molecular consequence: missense variant.
Genome position (GRCh38, 1-based): chr15:101,027,698, C>T. VCF-style: chr15-101027698-C-T. GRCh37 (hg19) VCF-style: chr15-101567903-C-T.
Other names: c.2587C>T (NM_024652.4); short protein forms R863W.
Identifiers: ClinVar variation 2721211 (VCV002721211.2), dbSNP rs758619910, ClinGen allele CA7761294.

ClinVar aggregate classification (germline): Uncertain significance. Review status: criteria provided, multiple submitters, no conflicts (2 of 4 stars). 2 submissions from 2 submitters: Uncertain significance (2). Last evaluated 2024-12-13.

Allele frequency attached by ClinVar (database versions not stated): gnomAD exomes 0.00014; ExAC 0.00030; gnomAD 0.00008; TOPMed 0.00003.
gnomAD v4.1: 211 of 1,612,984 alleles (0.013%); highest among the groups gnomAD compares: South Asian, 0.2%; 2 homozygotes.

Submissions (2):

GeneDx
Classification: Uncertain significance. Last evaluated: 2024-12-13. Review status: criteria provided, single submitter. Criteria: GeneDx Variant Classification Process June 2021. Collection method: clinical testing. Allele origin: germline. Affected: yes.
Comment: In silico analysis indicates that this missense variant does not alter protein structure/function; Has not been previously published as pathogenic or benign to our knowledge

Labcorp Genetics (formerly Invitae), Labcorp
Classification: Uncertain significance. Last evaluated: 2023-04-14. Review status: criteria provided, single submitter. Criteria: Invitae Variant Classification Sherloc (09022015). Collection method: clinical testing. Allele origin: germline.
Comment: In summary, the available evidence is currently insufficient to determine the role of this variant in disease. Therefore, it has been classified as a Variant of Uncertain Significance. An algorithm developed to predict the effect of missense changes on protein structure and function (PolyPhen-2) suggests that this variant¬† is likely to be tolerated. This variant has not been reported in the literature in individuals affected with LRRK1-related conditions. This variant is present in population databases (rs758619910, gnomAD 0.2%), including at least one homozygous and/or hemizygous individual. This sequence change replaces arginine, which is basic and polar, with tryptophan, which is neutral and slightly polar, at codon 863 of the LRRK1 protein (p.Arg863Trp).